The following is an entry in ClinVar:

NM_000232.5(SGCB):c.249A>G (p.Thr83=)

Gene: SGCB (sarcoglycan beta; minus strand). Cytogenetic location: 4q12.
Variant type: single nucleotide variant.
Coding change: c.249A>G on transcript NM_000232.5 (MANE Select); coding-DNA position 249, A replaced by G.
Protein change: p.Thr83=; no amino-acid change (threonine 83 retained).
Molecular consequence: synonymous variant.
Genome position (GRCh38, 1-based): chr4:52,029,858, T>C on the plus strand (A>G on the coding strand, the complement: SGCB is on the minus strand). VCF-style: chr4-52029858-T-C. GRCh37 (hg19) VCF-style: chr4-52896024-T-C.
Other names: NM_000232.5(SGCB):c.249A>G; p.Thr83=; c.249A>G (NM_000232.4).
Identifiers: ClinVar variation 284933 (VCV000284933.14), dbSNP rs565862702, ClinGen allele CA2918450.

ClinVar aggregate classification (germline): Likely benign. Review status: reviewed by expert panel (3 of 4 stars). 4 submissions from 4 submitters: Likely benign (1). 3 of the submissions do not count toward it. Last evaluated 2025-01-09.

Conditions:
Inborn genetic diseases. Identifiers: MedGen C0950123, MeSH D030342.
Autosomal recessive limb-girdle muscular dystrophy. Identifiers: Orphanet 102015, MedGen C2931907, MONDO:0015152.
Autosomal recessive limb-girdle muscular dystrophy type 2E (LGMDR4). Also called: MUSCULAR DYSTROPHY, LIMB-GIRDLE, AUTOSOMAL RECESSIVE 4. Identifiers: Orphanet 119, MedGen C1858593, MONDO:0011423, OMIM 604286. Disease mechanism: Affects gamma-sarcoglycan and also disrupts the integrity of the entire sarcoglycan complex..

Allele frequency attached by ClinVar (database versions not stated): gnomAD 0.00003; 1000 Genomes Project 30x 0.00016; 1000 Genomes Project 0.00020.
gnomAD v4.1: 70 of 1,613,104 alleles (0.0043%); highest among the groups gnomAD compares: South Asian, 0.067%; 1 homozygote.

Submissions (4):

ClinGen Limb Girdle Muscular Dystrophy Variant Curation Expert Panel, ClinGen
Classification: Likely benign for Autosomal recessive limb-girdle muscular dystrophy. Last evaluated: 2025-01-09. Review status: reviewed by expert panel. Criteria: ClinGen LGMD VCEP ACMG Specifications SGCB V1.0.0. Collection method: curation. Allele origin: germline. Inheritance: Autosomal recessive inheritance.
Comment: The NM_000232.5: c.249A>G p.(Thr83=) variant in SGCB is a synonymous (silent) variant that is not predicted to influence splicing by SpliceAI (score 0) (BP4, BP7). The highest population minor allele frequency in gnomAD v2.1.1 is 0.0005227 (16/30612 exome alleles) in the East Asian population (PM2_Supporting, BS1, BA1 not met). In summary, this variant meets the criteria to be classified as Likely Benign for autosomal recessive limb girdle muscular dystrophy based on the ACMG/AMP criteria applied, as specified by the ClinGen LGMD VCEP (LGMD VCEP specifications version 1.0.0; 01/09/2025): BP4, BP7.

Labcorp Genetics (formerly Invitae), Labcorp
Classification: Likely benign for Autosomal recessive limb-girdle muscular dystrophy type 2E. Last evaluated: 2026-01-05. Review status: criteria provided, single submitter. Criteria: Invitae Variant Classification Sherloc (09022015). Collection method: clinical testing. Allele origin: germline. Not counted in ClinVar's aggregate classification.

Ambry Genetics
Classification: Likely benign for Inborn genetic diseases. Last evaluated: 2025-01-21. Review status: criteria provided, single submitter. Criteria: Ambry Variant Classification Scheme 2023. Collection method: clinical testing. Allele origin: germline. Not counted in ClinVar's aggregate classification.

Eurofins Ntd Llc (ga)
Classification: Uncertain significance. Last evaluated: 2016-01-17. Review status: criteria provided, single submitter. Criteria: EGL Classification Definitions 2015. Collection method: clinical testing. Allele origin: germline. Observed: 1 variant allele, 1 heterozygote. Not counted in ClinVar's aggregate classification.